The following is an entry in ClinVar:

ClinVar aggregate classification (germline): Pathogenic (1 of 4 stars; one submission).

Conditions:
Hereditary cancer-predisposing syndrome. Also called: Tumor predisposition; Neoplastic Syndromes, Hereditary; Hereditary neoplastic syndrome; Hereditary Cancer Syndrome. Identifiers: Orphanet 140162, MedGen C0027672, MeSH D009386, MONDO:0015356.

Submission:

Molecular Diagnostics Laboratory, Catalan Institute of Oncology
Classification: Pathogenic for Hereditary cancer-predisposing syndrome. Last evaluated: 2025-08-26. Review status: criteria provided, single submitter. Criteria: ClinGen BRCA1BRCA2 ACMG Specifications BRCA1 V1.0.0. Collection method: clinical testing. Allele origin: germline.
Comment: PVS1, PM5_PTC_Strong c.5507_5508del, located in exon 23 of the BRCA1 gene (exon 24 according BIC nomenclature, the last exon of the gene), consists in the deletion of 2 nucleotides, causing a translational frameshift with a predicted alternate stop codon, p.(Glu1836Valfs*43). This alteration is expected to result in loss of function by premature protein truncation before codon 1854 (PVS1, PM5_PTC_Strong). No effect is predicted on splicing by SpliceAI. It is not present in the population database gnomAD v2.1.1, non cancer dataset. To our knowledge, neither relevant clinical data nor well-established functional studies have been reported for this variant. In addition, it has been identified in the BRCA Exchange database (not yet reviewed) and LOVD database (1x pathogenic), but it is not present in the ClinVar database. Based on the currently available evidence, c.5507_5508del is classified as a pathogenic variant according to ClinGen-BRCA1 Guidelines v.1.0.0.

NM_007294.4(BRCA1):c.5507_5508del (p.Glu1836fs)

Gene: BRCA1 (BRCA1 DNA repair associated; minus strand). Cytogenetic location: 17q21.31.
Variant type: Microsatellite.
Coding change: c.5507_5508del on transcript NM_007294.4 (MANE Select); coding-DNA positions 5507 to 5508, 2 bases deleted (AG; older notation c.5507_5508delAG).
Protein change: p.Glu1836fs; shifts the reading frame from glutamic acid 1836.
Molecular consequence: frameshift variant. On other transcripts: 3 prime UTR variant (1), non-coding transcript variant (1).
Genome position (GRCh38, 1-based): chr17:43,045,762-43,045,763, CT deleted on the plus strand (AG on the coding strand, the reverse complement: BRCA1 is on the minus strand); deleting any 2 consecutive bases within chr17:43,045,762-43,045,766 gives the same sequence; the c. name uses the placement nearest the transcript's 3' end. VCF-style (leftmost placement, unchanged base first): chr17-43045761-ACT-A. GRCh37 (hg19) VCF-style: chr17-41197778-ACT-A.
Other names: c.2114_2115GA[1], p.Glu706Valfs (NM_001408412.1, NM_001408413.1, NM_001408414.1 and 2 more transcripts); c.2078_2079GA[1], p.Glu694Valfs (NM_001408418.1, NM_001408419.1, NM_001408420.1); c.2075_2076GA[1], p.Glu693Valfs (NM_001408421.1, NM_001408422.1, NM_001408423.1 and 1 more transcripts); c.2072_2073GA[1], p.Glu692Valfs (NM_001408425.1, NM_001408426.1, NM_001408427.1 and 4 more transcripts); c.2069_2070GA[1], p.Glu691Valfs (NM_001408432.1, NM_001408433.1, NM_001408434.1 and 10 more transcripts); c.2066_2067GA[1], p.Glu690Valfs (NM_001408445.1, NM_001408446.1, NM_001408447.1 and 2 more transcripts); c.2060_2061GA[1], p.Glu688Valfs (NM_001408451.1); c.2054_2055GA[1], p.Glu686Valfs (NM_001408452.1, NM_001408453.1, NM_001408454.1 and 3 more transcripts); and 77 more; short protein forms E1789fs, E1836fs, E1857fs, E732fs.
Identifiers: ClinVar variation 4082356 (VCV004082356.1).
Genomic context (GRCh38, chr17:43,045,761, plus strand): 5'-GGGGTATCAGGTAGGTGTCCAGCTCCTGGCACTGGTAGAGTGCTACACTGTCCAACACCC[ACT>A]CTCGGGTCACCACAGGTGCCTCACACATCTGCCCAATTGCTGGAGACAGAGAACACAAGC-3'